The following is an entry in ClinVar:

NM_001103.4(ACTN2):c.2298_2299dup (p.Arg767fs)

Gene: ACTN2 (actinin alpha 2; plus strand). Cytogenetic location: 1q43.
Variant type: Duplication.
Coding change: c.2298_2299dup on transcript NM_001103.4 (MANE Select); coding-DNA positions 2298 to 2299, 2 bases duplicated (CA; older notation c.2298_2299dupCA).
Protein change: p.Arg767fs; shifts the reading frame from arginine 767.
Molecular consequence: frameshift variant. On other transcripts: non-coding transcript variant (1).
Genome position (GRCh38, 1-based): chr1:236,757,629-236,757,630, CA duplicated; duplicating any 2 consecutive bases within chr1:236,757,628-236,757,630 gives the same sequence; the c. name uses the placement nearest the transcript's 3' end. VCF-style (leftmost placement, unchanged base first): chr1-236757627-G-GAC. GRCh37 (hg19) VCF-style: chr1-236920927-G-GAC.
Other names: c.2298_2299dup, p.Arg767fs (NM_001278343.2); short protein forms R767fs.
Identifiers: ClinVar variation 3371010 (VCV003371010.1).
Genomic context (GRCh38, chr1:236,757,627, plus strand): 5'-GATGCGAAGGGCATCACCCAGGAGCAGATGAATGAGTTCAGAGCCTCCTTCAACCACTTT[G>GAC]ACAGGGTACCACTCTCTACTTATTTGAAGGGCAATACTGGGGACATTAAACAATGTATCT-3'

ClinVar aggregate classification (germline): Uncertain significance (1 of 4 stars; one submission).

Submission:

GeneDx
Classification: Uncertain significance. Last evaluated: 2024-03-20. Review status: criteria provided, single submitter. Criteria: GeneDx Variant Classification Process June 2021. Collection method: clinical testing. Allele origin: germline. Affected: yes.
Comment: Has not been previously published as pathogenic or benign to our knowledge; Not observed at significant frequency in large population cohorts (gnomAD); Frameshift variant predicted to result in protein truncation or nonsense mediated decay in a gene or region of a gene for which loss of function is not a well-established mechanism of disease